The following is an entry in ClinVar:

NC_000006.11:g.(?_42932073)_(42941844_?)del

Gene: PEX6 (peroxisomal biogenesis factor 6; minus strand). Cytogenetic location: 6p21.1.
Variant type: Deletion.
Identifiers: ClinVar variation 3245997 (VCV003245997.1).

ClinVar aggregate classification (germline): Pathogenic (1 of 4 stars; one submission).

Conditions:
Peroxisome biogenesis disorder. Identifiers: Orphanet 79189, MedGen C1832200, MONDO:0019234. Disease mechanism: loss of function.

Submission:

Labcorp Genetics (formerly Invitae), Labcorp
Classification: Pathogenic for Peroxisome biogenesis disorder. Last evaluated: 2023-11-10. Review status: criteria provided, single submitter. Criteria: Invitae Variant Classification Sherloc (09022015). Collection method: clinical testing. Allele origin: unknown.
Comment: This variant is a gross deletion of the genomic region encompassing exon(s) 3-17 of the PEX6 gene, which includes the termination codon. This deletion extends beyond the assayed region for this gene and therefore may encompass additional genes. While this deletion is not anticipated to lead to nonsense mediated decay, it is expected to alter mRNA translation or result in a truncated protein product. This variant has not been reported in the literature in individuals affected with PEX6-related conditions. This variant disrupts a region of the PEX6 protein in which other variant(s) (p.Ala912Val) have been determined to be pathogenic (PMID: 26669662, 27604308, 27779215). This suggests that this is a clinically significant region of the protein, and that variants that disrupt it are likely to be disease-causing. For these reasons, this variant has been classified as Pathogenic.

Literature cited by the submitters: PubMed 26669662; PubMed 27604308; PubMed 27779215.